The following is an entry in ClinVar:

ClinVar aggregate classification (germline): Conflicting classifications of pathogenicity. Review status: criteria provided, conflicting classifications (1 of 4 stars). 7 submissions from 7 submitters: Pathogenic (1); Uncertain significance (6). Last evaluated 2025-08-18.

Conditions:
Cardiovascular phenotype. Identifiers: MedGen CN230736.
MYH7-related disorder. Also called: MYH7-related disorders; MYH7-related condition; MYH7-related disease.
Cardiomyopathy (CMYO). Also called: Cardiomyopathies. Identifiers: Orphanet 167848, MedGen C0878544, MONDO:0004994, HP:0001638. Inheritance: Various modes of inheritance.
Hypertrophic cardiomyopathy. Also called: HYPERTROPHIC MYOCARDIOPATHY. Identifiers: Orphanet 217569, MedGen C0007194, MeSH D002312, MONDO:0005045, HP:0001639.

Allele frequency attached by ClinVar (database versions not stated): gnomAD exomes below 0.00001; ExAC 0.00001.
gnomAD v4.1: 1 of 1,614,176 alleles (0.000062%); highest among the groups gnomAD compares: South Asian, 0.0011%; no homozygotes.

Submissions (7):

Ambry Genetics
Classification: Uncertain significance for Cardiovascular phenotype. Last evaluated: 2025-08-18. Review status: criteria provided, single submitter. Criteria: Ambry Variant Classification Scheme 2023. Collection method: clinical testing. Allele origin: germline.
Comment: The p.R1303Q variant (also known as c.3908G>A), located in coding exon 27 of the MYH7 gene, results from a G to A substitution at nucleotide position 3908. The arginine at codon 1303 is replaced by glutamine, an amino acid with highly similar properties. This amino acid position is highly conserved in available vertebrate species. In addition, the in silico prediction for this alteration is inconclusive. Based on the available evidence, the clinical significance of this variant remains unclear.

Labcorp Genetics (formerly Invitae), Labcorp
Classification: Pathogenic for Hypertrophic cardiomyopathy. Last evaluated: 2025-06-01. Review status: criteria provided, single submitter. Criteria: Invitae Variant Classification Sherloc (09022015). Collection method: clinical testing. Allele origin: germline.
Comment: This sequence change replaces arginine, which is basic and polar, with glutamine, which is neutral and polar, at codon 1303 of the MYH7 protein (p.Arg1303Gln). This variant is present in population databases (rs727505325, gnomAD 0.003%). This missense change has been observed in individual(s) with dilated cardiomyopathy (internal data). In at least one individual the variant was observed to be de novo. ClinVar contains an entry for this variant (Variation ID: 180067). Invitae Evidence Modeling of protein sequence and biophysical properties (such as structural, functional, and spatial information, amino acid conservation, physicochemical variation, residue mobility, and thermodynamic stability) indicates that this missense variant is expected to disrupt MYH7 protein function with a positive predictive value of 95%. This variant disrupts the p.Arg1303 amino acid residue in MYH7. Other variant(s) that disrupt this residue have been observed in individuals with MYH7-related conditions (PMID: 24558114), which suggests that this may be a clinically significant amino acid residue. For these reasons, this variant has been classified as Pathogenic.

GeneDx
Classification: Uncertain significance. Last evaluated: 2024-02-20. Review status: criteria provided, single submitter. Criteria: GeneDx Variant Classification Process June 2021. Collection method: clinical testing. Allele origin: germline. Affected: yes.
Comment: Not observed at significant frequency in large population cohorts (gnomAD); In silico analysis supports that this missense variant has a deleterious effect on protein structure/function; Has not been previously published as pathogenic or benign to our knowledge

CHEO Genetics Diagnostic Laboratory, Children's Hospital of Eastern Ontario
Classification: Uncertain significance for Cardiomyopathy. Last evaluated: 2020-08-14. Review status: criteria provided, single submitter. Criteria: ACMG Guidelines, 2015. Collection method: clinical testing. Allele origin: germline.

Color Diagnostics, LLC DBA Color Health
Classification: Uncertain significance for Cardiomyopathy. Last evaluated: 2019-07-15. Review status: criteria provided, single submitter. Criteria: ACMG Guidelines, 2015. Collection method: clinical testing. Allele origin: germline.
Comment: This missense variant replaces arginine with glutamine at codon 1303 of the MYH7 protein. Computational prediction tools and conservation analyses suggest that this variant may have deleterious impact on the protein function. Computational splicing tools suggest that this variant may not impact RNA splicing. To our knowledge, functional assays have not been performed for this variant nor has this variant been reported in individuals affected with cardiovascular disorders in the literature. This variant has been identified in 1/251458 chromosomes in the general population by the Genome Aggregation Database (gnomAD). Available evidence is insufficient to determine the role of this variant in disease conclusively. Therefore, this variant is classified as a Variant of Uncertain Significance.

Genomic Research Center, Shahid Beheshti University of Medical Sciences
Classification: Uncertain significance for MYH7-Related Disorders. Last evaluated: 2019-04-27. Review status: criteria provided, single submitter. Criteria: ACMG Guidelines, 2015. Collection method: clinical testing. Allele origin: inherited. Affected: yes.

Laboratory for Molecular Medicine, Mass General Brigham Personalized Medicine
Classification: Uncertain significance. Last evaluated: 2015-06-22. Review status: criteria provided, single submitter. Criteria: LMM Criteria. Collection method: clinical testing. Allele origin: germline. Observed: 2 variant alleles.
Comment: This variant has been identified in 1/16512 South Asian chromosomes b y the Exome Aggregation Consortium (ExAC; dbSNP rs727505325). Computational prediction tools and conservation analysis suggest t hat the p.Arg1303Gln variant may impact the protein, though this information is not predictive enough to determine pathogenicity. In summary, the clinical signi ficance of the p.Arg1303Gln variant is uncertain.

Literature cited by the submitters: PubMed 39063061 (cited by Ambry Genetics); PubMed 24558114 (cited by Labcorp Genetics (formerly Invitae), Labcorp and Laboratory for Molecular Medicine, Mass General Brigham Personalized Medicine).

NM_000257.4(MYH7):c.3908G>A (p.Arg1303Gln)

Gene: MYH7 (myosin heavy chain 7; minus strand). Cytogenetic location: 14q11.2.
Variant type: single nucleotide variant.
Coding change: c.3908G>A on transcript NM_000257.4 (MANE Select); coding-DNA position 3908, G replaced by A.
Protein change: p.Arg1303Gln; replaces arginine 1303 with glutamine.
Molecular consequence: missense variant.
Genome position (GRCh38, 1-based): chr14:23,419,241, C>T on the plus strand (G>A on the coding strand, the complement: MYH7 is on the minus strand). VCF-style: chr14-23419241-C-T. GRCh37 (hg19) VCF-style: chr14-23888450-C-T.
Other names: short protein forms R1303Q.
Identifiers: ClinVar variation 180067 (VCV000180067.25), dbSNP rs727505325, ClinGen allele CA014218.